The following is an entry in ClinVar:

NM_000096.4(CP):c.2793A>G (p.Leu931=)

Gene: CP (ceruloplasmin; minus strand). Cytogenetic location: 3q24.
Variant type: single nucleotide variant.
Coding change: c.2793A>G on transcript NM_000096.4 (MANE Select); coding-DNA position 2793, A replaced by G.
Protein change: p.Leu931=; no amino-acid change (leucine 931 retained).
Molecular consequence: synonymous variant. On other transcripts: non-coding transcript variant (1).
Genome position (GRCh38, 1-based): chr3:149,178,500, T>C on the plus strand (A>G on the coding strand, the complement: CP is on the minus strand). VCF-style: chr3-149178500-T-C. GRCh37 (hg19) VCF-style: chr3-148896287-T-C.
Other names: p.Leu931=.
Identifiers: ClinVar variation 128840 (VCV000128840.58), dbSNP rs34987997, ClinGen allele CA231056.

ClinVar aggregate classification (germline): Conflicting classifications of pathogenicity. Review status: criteria provided, conflicting classifications (1 of 4 stars). 9 submissions from 9 submitters: Uncertain significance (1); Benign (2); Likely benign (4). 2 of the submissions do not count toward it. Last evaluated 2026-05-01.

Conditions:
Deficiency of ferroxidase (ACEP). Also called: Aceruloplasminemia; Deficiency of ceruloplasmin; NEURODEGENERATION WITH BRAIN IRON ACCUMULATION 10; Ceruloplasmin deficiency; Familial apoceruloplasmin deficiency; Hereditary ceruloplasmin deficiency. Identifiers: Orphanet 48818, MedGen C0878682, MONDO:0011426, OMIM 604290, HP:0025498.

Allele frequency attached by ClinVar (database versions not stated): 1000 Genomes Project 0.00100; 1000 Genomes Project 30x 0.00125; gnomAD 0.00186; TOPMed 0.00196; ExAC 0.00212; ESP Exome Variant Server 0.00284.
gnomAD v4.1: 3,373 of 1,613,506 alleles (0.21%); highest among the groups gnomAD compares: Middle Eastern, 1.6%; 11 homozygotes.

Submissions (9):

CeGaT Center for Human Genetics Tuebingen
Classification: Likely benign. Last evaluated: 2026-05-01. Review status: criteria provided, single submitter. Criteria: CeGaT Center For Human Genetics Tuebingen Variant Classification Criteria Version 2. Collection method: clinical testing. Allele origin: germline. Affected: yes. Observed: 9 variant alleles.
Comment: CP: BP4, BP7, BS2

Labcorp Genetics (formerly Invitae), Labcorp
Classification: Benign for Deficiency of ferroxidase. Last evaluated: 2026-01-27. Review status: criteria provided, single submitter. Criteria: Invitae Variant Classification Sherloc (09022015). Collection method: clinical testing. Allele origin: germline.

Blueprint Genetics
Classification: Likely benign. Last evaluated: 2024-11-25. Review status: criteria provided, single submitter. Criteria: ACMG Guidelines, 2015. Collection method: clinical testing. Allele origin: germline.

Mayo Clinic Laboratories, Mayo Clinic
Classification: Benign. Last evaluated: 2023-11-22. Review status: criteria provided, single submitter. Criteria: ACMG Guidelines, 2015. Collection method: clinical testing. Allele origin: germline. Observed: 11 variant alleles.
Comment: BS1, BS2

GeneDx
Classification: Likely benign. Last evaluated: 2021-04-03. Review status: criteria provided, single submitter. Criteria: GeneDx Variant Classification Process June 2021. Collection method: clinical testing. Allele origin: germline. Affected: yes.

Illumina Laboratory Services, Illumina
Classification: Likely benign for Deficiency of ferroxidase. Last evaluated: 2018-01-12. Review status: criteria provided, single submitter. Criteria: ICSL Variant Classification Criteria 13 December 2019. Collection method: clinical testing. Allele origin: germline.
Comment: This variant was observed in the ICSL laboratory as part of a predisposition screen in an ostensibly healthy population. It had not been previously curated by ICSL or reported in the Human Gene Mutation Database (HGMD: prior to June 1st, 2018), and was therefore a candidate for classification through an automated scoring system. Utilizing variant allele frequency, disease prevalence and penetrance estimates, and inheritance mode, an automated score was calculated to assess if this variant is too frequent to cause the disease. Based on the score and internal cut-off values, a variant classified as likely benign is not then subjected to further curation. The score for this variant resulted in a classification of likely benign for this disease.

Genetic Services Laboratory, University of Chicago
Classification: Uncertain significance. Last evaluated: 2014-03-06. Review status: criteria provided, single submitter. Criteria: ACMG Guidelines, 2007. Collection method: clinical testing. Allele origin: germline. Inheritance: Autosomal recessive inheritance.

Diagnostic Laboratory, Department of Genetics, University Medical Center Groningen
Classification: Likely benign for Deficiency of ferroxidase. Review status: no assertion criteria provided. Collection method: clinical testing. Allele origin: germline. Affected: yes. Study: VKGL Data-share Consensus. Not counted in ClinVar's aggregate classification.

Genome Diagnostics Laboratory, Amsterdam University Medical Center
Classification: Likely benign. Review status: no assertion criteria provided. Collection method: clinical testing. Allele origin: germline. Affected: yes. Study: VKGL Data-share Consensus. Not counted in ClinVar's aggregate classification.

Literature cited by the submitters: PubMed 20981230 (cited by Mayo Clinic Laboratories, Mayo Clinic).